The following is an entry in ClinVar:

NM_000093.5(COL5A1):c.409G>A (p.Val137Ile)

Gene: COL5A1 (collagen type V alpha 1 chain; plus strand). Cytogenetic location: 9q34.3.
Variant type: single nucleotide variant.
Coding change: c.409G>A on transcript NM_000093.5 (MANE Select); coding-DNA position 409, G replaced by A.
Protein change: p.Val137Ile; replaces valine 137 with isoleucine.
Molecular consequence: missense variant.
Genome position (GRCh38, 1-based): chr9:134,700,040, G>A. VCF-style: chr9-134700040-G-A. GRCh37 (hg19) VCF-style: chr9-137591886-G-A.
Other names: p.V137I:GTC>ATC; c.409G>A, p.Val137Ile (NM_001278074.1); short protein forms V137I.
Identifiers: ClinVar variation 219282 (VCV000219282.18), dbSNP rs145757313, ClinGen allele CA339728.
Genomic context (GRCh38, chr9:134,700,040, plus strand): 5'-GTCTCCATCTACAACGAGCAGGGTATCCAGCAGATTGGGCTGGAGCTGGGCCGCTCTCCC[G>A]TCTTCCTCTACGAGGACCACACGGGGAAGCCTGGCCCGGAAGACTACCCCCTCTTCCGGG-3'
Protein context (NP_000084.3, residues 127-147): QIGLELGRSP[Val137Ile]FLYEDHTGKP

ClinVar aggregate classification (germline): Conflicting classifications of pathogenicity. Review status: criteria provided, conflicting classifications (1 of 4 stars). 5 submissions from 5 submitters: Uncertain significance (2); Benign (1); Likely benign (2). Last evaluated 2025-08-25.

Conditions:
Ehlers-Danlos syndrome, classic type, 1 (EDSCL1). Also called: EDS I; Ehlers-Danlos syndrome, type 1; EHLERS-DANLOS SYNDROME, GRAVIS TYPE; EHLERS-DANLOS SYNDROME, SEVERE CLASSIC TYPE; Ehlers-Danlos Syndrome, Classic Type, COL5A1-Related. Identifiers: MedGen C0268335, MONDO:0019567, OMIM 130000.
Familial thoracic aortic aneurysm and aortic dissection (TAAD). Also called: Thoracic aortic aneurysms and dissections. Identifiers: Orphanet 91387, MedGen C4707243, MONDO:0019625.

Allele frequency attached by ClinVar (database versions not stated): ExAC 0.00005; gnomAD exomes 0.00005; gnomAD 0.00013; TOPMed 0.00014; ESP Exome Variant Server 0.00038.
gnomAD v4.1: 54 of 1,613,450 alleles (0.0033%); highest among the groups gnomAD compares: African/African-American, 0.027%; no homozygotes.

Submissions (5):

Labcorp Genetics (formerly Invitae), Labcorp
Classification: Benign for Ehlers-Danlos syndrome, classic type, 1. Last evaluated: 2025-08-25. Review status: criteria provided, single submitter. Criteria: Invitae Variant Classification Sherloc (09022015). Collection method: clinical testing. Allele origin: germline.

Women's Health and Genetics/Laboratory Corporation of America, LabCorp
Classification: Likely benign. Last evaluated: 2025-03-31. Review status: criteria provided, single submitter. Criteria: LabCorp Variant Classification Summary - May 2015. Collection method: clinical testing. Allele origin: germline.
Comment: Variant summary: COL5A1 c.409G>A (p.Val137Ile) results in a conservative amino acid change in the encoded protein sequence. Four of five in-silico tools predict a benign effect of the variant on protein function. The variant allele was found at a frequency of 5.2e-05 in 250828 control chromosomes. The observed variant frequency is approximately 1.66 fold of the estimated maximal expected allele frequency for a pathogenic variant in COL5A1 causing Ehlers-Danlos Syndrome phenotype (3.1e-05). To our knowledge, no occurrence of c.409G>A in individuals affected with Ehlers-Danlos Syndrome and no experimental evidence demonstrating its impact on protein function have been reported. ClinVar contains an entry for this variant (Variation ID: 219282). Based on the evidence outlined above, the variant was classified as likely benign.

Ambry Genetics
Classification: Uncertain significance for Familial thoracic aortic aneurysm and aortic dissection. Last evaluated: 2024-11-29. Review status: criteria provided, single submitter. Criteria: Ambry Variant Classification Scheme 2023. Collection method: clinical testing. Allele origin: germline.
Comment: The p.V137I variant (also known as c.409G>A), located in coding exon 3 of the COL5A1 gene, results from a G to A substitution at nucleotide position 409. The valine at codon 137 is replaced by isoleucine, an amino acid with highly similar properties. This amino acid position is well conserved in available vertebrate species. In addition, this alteration is predicted to be tolerated by in silico analysis. Based on the available evidence, the clinical significance of this variant remains unclear.

Blueprint Genetics
Classification: Likely benign. Last evaluated: 2023-11-03. Review status: criteria provided, single submitter. Criteria: ACMG Guidelines, 2015. Collection method: clinical testing. Allele origin: germline.

GeneDx
Classification: Uncertain significance. Last evaluated: 2015-03-02. Review status: criteria provided, single submitter. Criteria: GeneDx Variant Classification (06012015). Collection method: clinical testing. Allele origin: germline. Affected: yes.
Comment: p.Arg503Cys (CGC>TGC): c.1507 C>T in exon 12 of the COL5A1 gene (NM_000093.3) The R503C variant has not been published as a mutation or been reported as a benign polymorphism to our knowledge. The R503C variant was not observed in approximately 6500 individuals of European and African American ancestry in the NHLBI Exome Sequencing Project, indicating it is not a common benign variant in these populations. The R503C variant is a non-conservative amino acid substitution, which is likely to impact secondary protein structure as these residues differ in polarity, charge, size and/or other properties. Within the interrupted collagenous region, this substitution occurs at a position that is conserved across species. In silico analysis predicts this variant is probably damaging to the protein structure/function. Missense mutations in nearby residues (G493R, G511V) have been reported in association with EDS. However, the majority of disease-causing missense mutations in the COL5A1 gene are Glycine substitutions in triple-helical domain of the collagen molecule (Malfait F et al., 2011). Therefore, based on the currently available information, it is unclear whether this variant is a pathogenic mutation or a rare benign variant.This variant was found in TAADV2-1